The following is an entry in ClinVar:

ClinVar aggregate classification (germline): Pathogenic (1 of 4 stars; one submission).

Submission:

Labcorp Genetics (formerly Invitae), Labcorp
Classification: Pathogenic. Last evaluated: 2022-06-22. Review status: criteria provided, single submitter. Criteria: Invitae Variant Classification Sherloc (09022015). Collection method: clinical testing. Allele origin: germline.
Comment: This sequence change creates a premature translational stop signal (p.Gln3210*) in the PCLO gene. It is expected to result in an absent or disrupted protein product. Loss-of-function variants in PCLO are known to be pathogenic (PMID: 25832664, 30287594). This variant is not present in population databases (gnomAD no frequency). This variant has not been reported in the literature in individuals affected with PCLO-related conditions. For these reasons, this variant has been classified as Pathogenic.

Literature cited by the submitters: PubMed 25832664; PubMed 30287594.

NM_033026.6(PCLO):c.9628C>T (p.Gln3210Ter)

Gene: PCLO (piccolo presynaptic cytomatrix protein; minus strand). Cytogenetic location: 7q21.11.
Variant type: single nucleotide variant.
Coding change: c.9628C>T on transcript NM_033026.6 (MANE Select); coding-DNA position 9628, C replaced by T.
Protein change: p.Gln3210Ter; replaces glutamine 3210 with a stop codon.
Molecular consequence: nonsense.
Genome position (GRCh38, 1-based): chr7:82,950,960, G>A on the plus strand (C>T on the coding strand, the complement: PCLO is on the minus strand). VCF-style: chr7-82950960-G-A. GRCh37 (hg19) VCF-style: chr7-82580276-G-A.
Other names: c.9628C>T, p.Gln3210Ter (NM_014510.3); short protein forms Q3210*.
Identifiers: ClinVar variation 1953577 (VCV001953577.5), dbSNP rs1394021695, ClinGen allele CA367907907.